The following is an entry in ClinVar:

NM_001009944.3(PKD1):c.3080T>G (p.Val1027Gly)

Gene: PKD1 (polycystin 1, transient receptor potential channel interacting; minus strand). Cytogenetic location: 16p13.3.
Variant type: single nucleotide variant.
Coding change: c.3080T>G on transcript NM_001009944.3 (MANE Select); coding-DNA position 3080, T replaced by G.
Protein change: p.Val1027Gly; replaces valine 1027 with glycine.
Molecular consequence: missense variant.
Genome position (GRCh38, 1-based): chr16:2,112,869, A>C on the plus strand (T>G on the coding strand, the complement: PKD1 is on the minus strand). VCF-style: chr16-2112869-A-C. GRCh37 (hg19) VCF-style: chr16-2162870-A-C.
Other names: c.3080T>G, p.Val1027Gly (NM_000296.4); short protein forms V1027G.
Identifiers: ClinVar variation 997384 (VCV000997384.1), dbSNP rs377725958, ClinGen allele CA276782290.

ClinVar aggregate classification (germline): Uncertain significance (0 of 4 stars; one submission).

Conditions:
Polycystic kidney disease. Also called: Polycystic kidney dysplasia; Kidney, Polycystic. Identifiers: MedGen C0022680, MeSH D007690, MONDO:0020642, HP:0000113.

Allele frequency attached by ClinVar (database versions not stated): TOPMed below 0.00001; gnomAD 0.00001; gnomAD exomes 0.00001.
gnomAD v4.1: 6 of 1,606,612 alleles (0.00037%); highest among the groups gnomAD compares: East Asian, 0.0089%; no homozygotes.

Submission:

Department of Pathology and Laboratory Medicine, Sinai Health System
Classification: Uncertain significance for Polycystic Kidney disease. Review status: no assertion criteria provided. Collection method: clinical testing. Allele origin: unknown. Affected: yes. Study: The Canadian Open Genetics Repository (COGR).
Comment: The PKD1 p.Val1027Gly variant was not identified in the literature nor was it identified in the ClinVar, LOVD 3.0, ADPKD Mutation Database or PKD1-LOVD databases. The variant was also identified in dbSNP (ID: rs377725958) as â€šÃ„ÃºNAâ€šÃ„Ã¹.The variant was identified in control databases in 3 of 242404 chromosomes at a frequency of 0.000012 (Genome Aggregation Database Feb 27, 2017). The variant was observed in the following populations: East Asian in 3 of 17218 chromosomes (freq: 0.000174), while the variant was not observed in the African, Other, Latino, European Non-Finnish, Ashkenazi Jewish, European Finnish, and South Asian populations. In addition we cannot be certain that data from control databases is specific to PKD1 and not from one of the six PKD1 pseudogenes. Although the p.Val1027 residue is not conserved in mammals and other organisms, computational analyses (PolyPhen-2, SIFT, AlignGVGD, BLOSUM, MutationTaster) suggest that the variant may impact the protein. The variant occurs outside of the splicing consensus sequence and in silico or computational prediction software programs (SpliceSiteFinder, MaxEntScan, NNSPLICE, GeneSplicer) do not predict a difference in splicing. In summary, based on the above information the clinical significance of this variant cannot be determined with certainty at this time. This variant is classified as a variant of uncertain significance.